The following is an entry in ClinVar:

Conditions:
Breast-ovarian cancer, familial, susceptibility to, 1 (BROVCA1). Also called: BRCA1 Hereditary Breast and Ovarian Cancer; OVARIAN CANCER, SUSCEPTIBILITY TO. Identifiers: Orphanet 145, MedGen C2676676, MONDO:0011450, OMIM 604370. Disease mechanism: loss of function.

Submission:

Brotman Baty Institute, University of Washington
No classification provided (evidence only). Condition: Breast-ovarian cancer, familial 1. Review status: no classification provided. Collection method: in vitro. Allele origin: not applicable. Functional consequence: functionally_normal.
ClinVar note: "not provided" was previously submitted as the classification for the variant. However, the classification appeared to be based only on an observation of functional data so it was converted to no classification on 2025-07-30.

NM_007294.4(BRCA1):c.5560C>T (p.Leu1854=)

Gene: BRCA1 (BRCA1 DNA repair associated; minus strand). Cytogenetic location: 17q21.31.
Variant type: single nucleotide variant.
Coding change: c.5560C>T on transcript NM_007294.4 (MANE Select); coding-DNA position 5560, C replaced by T.
Protein change: p.Leu1854=; no amino-acid change (leucine 1854 retained).
Molecular consequence: synonymous variant. On other transcripts: 3 prime UTR variant (17).
Genome position (GRCh38, 1-based): chr17:43,045,710, G>A on the plus strand (C>T on the coding strand, the complement: BRCA1 is on the minus strand). VCF-style: chr17-43045710-G-A. GRCh37 (hg19) VCF-style: chr17-41197727-G-A.
Other names: c.5419C>T, p.Leu1807= (NM_001407694.1, NM_001407695.1, NM_001407696.1 and 12 more transcripts); c.5416C>T, p.Leu1806= (NM_001407732.1, NM_001407733.1, NM_001407734.1 and 18 more transcripts); c.5413C>T, p.Leu1805= (NM_001407838.1, NM_001407839.1, NM_001407841.1 and 12 more transcripts); c.*74C>T (NM_001407854.1, NM_001407858.1, NM_001407859.1 and 14 more transcripts); c.5359C>T, p.Leu1787= (NM_001407862.1); c.5356C>T, p.Leu1786= (NM_001407863.1); c.5353C>T, p.Leu1785= (NM_001407874.1, NM_001407875.1); c.5350C>T, p.Leu1784= (NM_001407879.1, NM_001407881.1, NM_001407882.1 and 5 more transcripts); and 74 more.
Identifiers: ClinVar variation 867668 (VCV000867668.3), dbSNP rs2050859600, ClinGen allele CA500142881.